The following is an entry in ClinVar:

NM_170707.4(LMNA):c.116A>G (p.Asn39Ser)

Gene: LMNA (lamin A/C; plus strand). Cytogenetic location: 1q22.
Variant type: single nucleotide variant.
Coding change: c.116A>G on transcript NM_170707.4 (MANE Select); coding-DNA position 116, A replaced by G.
Protein change: p.Asn39Ser; replaces asparagine 39 with serine.
Molecular consequence: missense variant.
Genome position (GRCh38, 1-based): chr1:156,115,034, A>G. VCF-style: chr1-156115034-A-G. GRCh37 (hg19) VCF-style: chr1-156084825-A-G.
Other names: c.116A>G, p.Asn39Ser (NM_001282625.2, NM_001282626.2, NM_005572.4 and 1 more transcripts); short protein forms N39S.
Identifiers: ClinVar variation 66791 (VCV000066791.20), dbSNP rs57983345, ClinGen allele CA016815.
Genomic context (GRCh38, chr1:156,115,034, plus strand): 5'-CTCCGCTGTCGCCCACCCGCATCACCCGGCTGCAGGAGAAGGAGGACCTGCAGGAGCTCA[A>G]TGATCGCTTGGCGGTCTACATCGACCGTGTGCGCTCGCTGGAAACGGAGAACGCAGGGCT-3'
Protein context (NP_733821.1, residues 29-49): LQEKEDLQEL[Asn39Ser]DRLAVYIDRV

ClinVar aggregate classification (germline): Pathogenic. Review status: criteria provided, multiple submitters, no conflicts (2 of 4 stars). 9 submissions from 9 submitters: Pathogenic (8). 1 of the submissions does not count toward it. Last evaluated 2025-07-10.

Conditions:
Emery-Dreifuss muscular dystrophy 2, autosomal dominant (EDMD2). Also called: HAUPTMANN-THANNHAUSER MUSCULAR DYSTROPHY; MUSCULAR DYSTROPHY WITH EARLY CONTRACTURES AND CARDIOMYOPATHY, AUTOSOMAL DOMINANT; SCAPULOILIOPERONEAL ATROPHY WITH CARDIOPATHY; Limb-girdle muscular dystrophy, type 1B; Muscular dystrophy, proximal, type 1B; Benign scapuloperoneal muscular dystrophy with cardiomyopathy. Identifiers: Orphanet 261, Orphanet 264, MedGen C0410190, MONDO:0021569, OMIM 181350.
Charcot-Marie-Tooth disease type 2. Also called: Charcot-Marie-Tooth type 2. Identifiers: Orphanet 64746, MedGen C0270914, MONDO:0018993.
LMNA-related disorder. Also called: LMNA-related condition; LMNA-related disease; LMNA-related disorders. Identifiers: MedGen CN380145.

Submissions (9):

GeneDx
Classification: Pathogenic. Last evaluated: 2025-07-10. Review status: criteria provided, single submitter. Criteria: GeneDx Variant Classification Process June 2021. Collection method: clinical testing. Allele origin: germline. Affected: yes.
Comment: Not observed at significant frequency in large population cohorts (gnomAD); In silico analysis supports that this missense variant has a deleterious effect on protein structure/function; This variant is associated with the following publications: (PMID: 17377071, 18551513, 24508248, 33250842, 36703223, 36697461, 10939567, 26098624, 25987458, 20837309, 20848652, 32528171, 34240052, 32571898, 34862408, 37035729)

Labcorp Genetics (formerly Invitae), Labcorp
Classification: Pathogenic for Charcot-Marie-Tooth disease type 2. Last evaluated: 2024-11-21. Review status: criteria provided, single submitter. Criteria: Invitae Variant Classification Sherloc (09022015). Collection method: clinical testing. Allele origin: germline.
Comment: This sequence change replaces asparagine, which is neutral and polar, with serine, which is neutral and polar, at codon 39 of the LMNA protein (p.Asn39Ser). This variant is not present in population databases (gnomAD no frequency). This missense change has been observed in individual(s) with Emery-Dreifuss muscular dystrophy, congenital muscular dystrophy, and limb-girdle muscular dystrophy (PMID: 17377071, 18551513, 21520333, 24508248). In at least one individual the variant was observed to be de novo. ClinVar contains an entry for this variant (Variation ID: 66791). Invitae Evidence Modeling of protein sequence and biophysical properties (such as structural, functional, and spatial information, amino acid conservation, physicochemical variation, residue mobility, and thermodynamic stability) indicates that this missense variant is expected to disrupt LMNA protein function with a positive predictive value of 95%. For these reasons, this variant has been classified as Pathogenic.

3billion
Classification: Pathogenic for Emery-Dreifuss muscular dystrophy 2, autosomal dominant. Last evaluated: 2023-09-27. Review status: criteria provided, single submitter. Criteria: ACMG Guidelines, 2015. Collection method: clinical testing. Allele origin: germline. Affected: yes.
Comment: The variant is not observed in the gnomAD v2.1.1 dataset. Predicted Consequence/Location: Missense variant In silico tool predictions suggest a damaging effect of the variant on gene or gene product [REVEL: 0.88 (>=0.6, sensitivity 0.68 and specificity 0.92); 3Cnet: 0.99 (>=0.6, sensitivity 0.72 and precision 0.9)]. The same nucleotide change resulting in the same amino acid change has been previously reported as pathogenic/likely pathogenic with strong evidence (ClinVar ID: VCV000066791 /PMID: 18551513). The variant has been previously reported as de novo in a similarly affected individual (PMID: 18551513). The variant has been observed in at least two similarly affected unrelated individuals (PMID: 18551513, 24508248). Different missense changes at the same codon (p.Asn39Asp, p.Asn39His, p.Asn39Ile, p.Asn39Lys, p.Asn39Tyr) have been reported as pathogenic/likely pathogenic with strong evidence (ClinVar ID: VCV000649203, VCV000935833, VCV002098082, VCV002202857 /PMID: 20837309, 21632249, 26098624, 30083363, 34240052 /3billion dataset). Therefore, this variant is classified as Pathogenic according to the recommendation of ACMG/AMP guideline.

Dubai Health Genomic Medicine Center, Dubai Health
Classification: Pathogenic. Last evaluated: 2022-12-17. Review status: criteria provided, single submitter. Criteria: ACMG Guidelines, 2015. Collection method: clinical testing. Allele origin: germline. Affected: yes.

Illumina Laboratory Services, Illumina
Classification: Pathogenic. Last evaluated: 2022-08-02. Review status: criteria provided, single submitter. Criteria: ICSL CNVClassificationCriteria Aug2020. Collection method: clinical testing. Allele origin: unknown. Affected: yes.
Comment: The LMNA c.116A>G (p.Asn39Ser) missense variant results in the substitution of asparagine at amino acid position 39 with serine. Across a selection of the available literature, the c.116A>G variant has been identified in at least ten individuals with muscular disorders, and in five of these it was found to be de novo (PMID: 18551513; PMID: 24508248; PMID: 26098624; PMID: 33250842; PMID: 32571898; PMID: 32528171; PMID: 34240052). Functional studies demonstrated that this variant causes the variant LMNA protein to aggregate (PMID: 34862408). Other pathogenic missense changes at the same codon, including p.Asn39Lys and p.Asn39Tyr, have been reported in multiple individuals with muscular disorders. This variant is located within the N-terminal Coil 1A coiled-coil domain which is a part of the larger central rod region and is thought to be involved in head to tail interactions of nuclear lamins and in facilitating the unwinding of molecules into separate strands (PMID: 30083363; PMID: 15476822). Multiple lines of in silico predictions suggest that this variant may have a deleterious effect on the gene or gene product. This variant is not found in version 2.1.1 or version 3.1.2 of the Genome Aggregation Database. Based on the available evidence, the c.116A>G (p.Asn39Ser) variant is classified as pathogenic for LMNA-related muscular disorders.

Laboratorio de Genetica e Diagnostico Molecular, Hospital Israelita Albert Einstein
Classification: Pathogenic for LMNA-related disease. Last evaluated: 2022-03-02. Review status: criteria provided, single submitter. Criteria: ACMG Guidelines, 2015. Collection method: clinical testing. Allele origin: germline.
Comment: ACMG classification criteria: PS4 strong, PM2, PM5 moderated, PM6 strong, PP3 supporting

Blueprint Genetics
Classification: Pathogenic for LMNA-related disorders. Last evaluated: 2021-09-17. Review status: criteria provided, single submitter. Criteria: ACMG Guidelines, 2015. Collection method: clinical testing. Allele origin: germline. Affected: yes. Observed: 1 variant allele.

Eurofins Ntd Llc (ga)
Classification: Pathogenic. Last evaluated: 2016-08-08. Review status: criteria provided, single submitter. Criteria: EGL Classification Definitions 2015. Collection method: clinical testing. Allele origin: germline. Observed: 1 variant allele, 1 heterozygote.

Epithelial Biology;  Institute of Medical Biology, Singapore
No classification provided. Review status: no classification provided. Collection method: not provided. Allele origin: not provided. Not counted in ClinVar's aggregate classification.

Literature cited by the submitters: PubMed 17377071 (cited by Labcorp Genetics (formerly Invitae), Labcorp); PubMed 18551513 (cited by 4 submitters); PubMed 21520333 (cited by Labcorp Genetics (formerly Invitae), Labcorp); PubMed 24508248 (cited by 4 submitters); PubMed 20837309 (cited by 3billion); PubMed 34240052 (cited by Illumina Laboratory Services, Illumina); PubMed 33250842 (cited by Illumina Laboratory Services, Illumina); PubMed 26098624 (cited by Illumina Laboratory Services, Illumina and Eurofins Ntd Llc (ga)); PubMed 32528171 (cited by Illumina Laboratory Services, Illumina); PubMed 15476822 (cited by Illumina Laboratory Services, Illumina); PubMed 34862408 (cited by Illumina Laboratory Services, Illumina); PubMed 30083363 (cited by Illumina Laboratory Services, Illumina); PubMed 32571898 (cited by Illumina Laboratory Services, Illumina); PubMed 20848652 (cited by Eurofins Ntd Llc (ga)).